The following is an entry in ClinVar:

NM_001875.5(CPS1):c.2679C>G (p.Gly893=)

Gene: CPS1 (carbamoyl-phosphate synthase 1; plus strand). Cytogenetic location: 2q34.
Variant type: single nucleotide variant.
Coding change: c.2679C>G on transcript NM_001875.5 (MANE Select); coding-DNA position 2679, C replaced by G.
Protein change: p.Gly893=; no amino-acid change (glycine 893 retained).
Molecular consequence: synonymous variant. On other transcripts: non-coding transcript variant (2).
Genome position (GRCh38, 1-based): chr2:210,616,533, C>G. VCF-style: chr2-210616533-C-G. GRCh37 (hg19) VCF-style: chr2-211481257-C-G.
Other names: p.G899G:GGC>GGG; p.Gly893=; c.2679C>G (LRG_336t1); c.2679C>G, p.Gly893= (NM_001122633.3, NM_001369257.1); c.2712C>G, p.Gly904= (NM_001369256.1).
Identifiers: ClinVar variation 128851 (VCV000128851.31), dbSNP rs2287599, ClinGen allele CA288785.
Genomic context (GRCh38, chr2:210,616,533, plus strand): 5'-TGACAAGTGGTTTTTGTATAAGATGCGTGATATTTTAAACATGGAAAAGACACTGAAAGG[C>G]CTCAACAGGTAAGGCAGTGCTGCTCTCATTCATGCCAGACACCTTCAGTGCAATTTTTAA-3'
Protein context (NP_001866.2, residues 883-903): DILNMEKTLK[Gly893=]LNSESMTEET

ClinVar aggregate classification (germline): Benign. Review status: criteria provided, multiple submitters, no conflicts (2 of 4 stars). 15 submissions from 15 submitters: Benign (10). 5 of the submissions do not count toward it. Last evaluated 2026-02-04.

Conditions:
Congenital hyperammonemia, type I. Also called: Carbamoyl phosphate synthetase I deficiency disease; Carbamoyl-phosphate synthase I deficiency; CPS I DEFICIENCY; Carbamoyl phosphate synthetase 1 deficiency; Hyperammonemia due to carbamoyl phosphate synthetase 1 deficiency; CPS 1 deficiency. Identifiers: Orphanet 147, MedGen C4082171, MONDO:0009376, OMIM 237300.

Allele frequency attached by ClinVar (database versions not stated): TOPMed 0.64498; 1000 Genomes Project 0.64916; gnomAD 0.64925; 1000 Genomes Project 30x 0.65069; ESP Exome Variant Server 0.66223.
gnomAD v4.1: 906,478 of 1,585,376 alleles (57%); highest among the groups gnomAD compares: African/African-American, 87%; 264,621 homozygotes.

Submissions (15):

Labcorp Genetics (formerly Invitae), Labcorp
Classification: Benign for Congenital hyperammonemia, type I. Last evaluated: 2026-02-04. Review status: criteria provided, single submitter. Criteria: Invitae Variant Classification Sherloc (09022015). Collection method: clinical testing. Allele origin: germline.

Blueprint Genetics
Classification: Benign. Last evaluated: 2024-11-26. Review status: criteria provided, single submitter. Criteria: ACMG Guidelines, 2015. Collection method: clinical testing. Allele origin: germline.

Mayo Clinic Laboratories, Mayo Clinic
Classification: Benign. Last evaluated: 2022-05-05. Review status: criteria provided, single submitter. Criteria: ACMG Guidelines, 2015. Collection method: clinical testing. Allele origin: germline. Observed: 93 variant alleles.

Genome-Nilou Lab
Classification: Benign for Congenital hyperammonemia, type I. Last evaluated: 2021-07-10. Review status: criteria provided, single submitter. Criteria: ACMG Guidelines, 2015. Collection method: clinical testing. Allele origin: germline. Affected: no.

Illumina Laboratory Services, Illumina
Classification: Benign for Congenital hyperammonemia, type I. Last evaluated: 2018-01-12. Review status: criteria provided, single submitter. Criteria: ICSL Variant Classification Criteria 13 December 2019. Collection method: clinical testing. Allele origin: germline.
Comment: This variant was observed in the ICSL laboratory as part of a predisposition screen in an ostensibly healthy population. It had not been previously curated by ICSL or reported in the Human Gene Mutation Database (HGMD: prior to June 1st, 2018), and was therefore a candidate for classification through an automated scoring system. Utilizing variant allele frequency, disease prevalence and penetrance estimates, and inheritance mode, an automated score was calculated to assess if this variant is too frequent to cause the disease. Based on the score and internal cut-off values, a variant classified as benign is not then subjected to further curation. The score for this variant resulted in a classification of benign for this disease.

Clinical Genetics DNA and cytogenetics Diagnostics Lab, Erasmus MC, Erasmus Medical Center
Classification: Benign for Congenital hyperammonemia, type I. Last evaluated: 2017-06-28. Review status: criteria provided, single submitter. Criteria: ACGS Guidelines, 2013. Collection method: clinical testing. Allele origin: germline. Affected: yes. Study: VKGL Data-share Consensus.

Women's Health and Genetics/Laboratory Corporation of America, LabCorp
Classification: Benign. Last evaluated: 2017-05-14. Review status: criteria provided, single submitter. Criteria: LabCorp Variant Classification Summary - May 2015. Collection method: clinical testing. Allele origin: germline.
Comment: Variant summary: The CPS1 c.2679C>G (p.Gly893Gly) variant involves the alteration of a non-conserved nucleotide causing a synonymous change that 5/5 splice prediction tools predict no significant impact on normal splicing. ESE finder predicts that this variant may remove ESE binding sites. However, these predictions have yet to be confirmed by functional studies. This variant was found in 71012/121158 control chromosomes (21467 homozygotes) at a frequency of 0.5861107, which is approximately 371 times the estimated maximal expected allele frequency of a pathogenic CPS1 variant (0.0015811) and indicates that the variant is the major allele (the allele most commonly seen in the general population). Therefore, suggesting this variant is likely a benign polymorphism. In addition, multiple clinical diagnostic laboratories/reputable databases classified this variant as "likely benign/benign." Therefore, the variant of interest has been classified as Benign.

GeneDx
Classification: Benign. Last evaluated: 2013-07-25. Review status: criteria provided, single submitter. Criteria: GeneDx Variant Classification (06012015). Collection method: clinical testing. Allele origin: germline. Affected: yes.
Comment: This variant is considered likely benign or benign based on one or more of the following criteria: it is a conservative change, it occurs at a poorly conserved position in the protein, it is predicted to be benign by multiple in silico algorithms, and/or has population frequency not consistent with disease.

Breakthrough Genomics
Classification: Benign. Review status: criteria provided, single submitter. Criteria: ACMG Guidelines, 2015. Collection method: not provided. Allele origin: germline. Inheritance: Autosomal recessive inheritance. Affected: yes.

PreventionGenetics, part of Exact Sciences
Classification: Benign. Review status: criteria provided, single submitter. Criteria: ACMG Guidelines, 2015. Collection method: clinical testing. Allele origin: germline.

Natera, Inc.
Classification: Benign for Carbamoyl-phosphate synthase I deficiency. Last evaluated: 2020-09-16. Review status: no assertion criteria provided. Collection method: clinical testing. Allele origin: germline. Not counted in ClinVar's aggregate classification.

Clinical Genetics, Academic Medical Center
Classification: Benign. Review status: no assertion criteria provided. Collection method: clinical testing. Allele origin: germline. Affected: yes. Study: VKGL Data-share Consensus. Not counted in ClinVar's aggregate classification.

Diagnostic Laboratory, Department of Genetics, University Medical Center Groningen
Classification: Benign for Congenital hyperammonemia, type I. Review status: no assertion criteria provided. Collection method: clinical testing. Allele origin: germline. Affected: yes. Study: VKGL Data-share Consensus. Not counted in ClinVar's aggregate classification.

Genetic Services Laboratory, University of Chicago
Classification: Likely benign for AllHighlyPenetrant. Review status: no assertion criteria provided. Collection method: clinical testing. Allele origin: germline. Inheritance: Autosomal recessive inheritance. Not counted in ClinVar's aggregate classification.
Comment: Likely benign based on allele frequency in 1000 Genomes Project or ESP global frequency and its presence in a patient with a rare or unrelated disease phenotype. NOT Sanger confirmed.

Joint Genome Diagnostic Labs from Nijmegen and Maastricht, Radboudumc and MUMC+
Classification: Benign. Review status: no assertion criteria provided. Collection method: clinical testing. Allele origin: germline. Affected: yes. Study: VKGL Data-share Consensus. Not counted in ClinVar's aggregate classification.